The following is an entry in ClinVar:

NM_001080.3(ALDH5A1):c.205T>C (p.Trp69Arg)

Genes: ALDH5A1 (aldehyde dehydrogenase 5 family member A1; plus strand), GPLD1 (glycosylphosphatidylinositol specific phospholipase D1; minus strand), LOC129995978 (ATAC-STARR-seq lymphoblastoid silent region 16989; plus strand). Cytogenetic location: 6p22.3.
Variant type: single nucleotide variant.
Coding change: c.205T>C on transcript NM_001080.3 (MANE Select); coding-DNA position 205, T replaced by C.
Protein change: p.Trp69Arg; replaces tryptophan 69 with arginine.
Molecular consequence: missense variant.
Genome position (GRCh38, 1-based): chr6:24,495,201, T>C. VCF-style: chr6-24495201-T-C. GRCh37 (hg19) VCF-style: chr6-24495429-T-C.
Other names: c.205T>C, p.Trp69Arg (NM_001368954.1, NM_170740.1); short protein forms W69R.
Identifiers: ClinVar variation 1425092 (VCV001425092.8), dbSNP rs1333816263, ClinGen allele CA362968434.

ClinVar aggregate classification (germline): Uncertain significance (1 of 4 stars; one submission).

Conditions:
Succinate-semialdehyde dehydrogenase deficiency (SSADHD). Also called: GABA METABOLIC DEFECT; 4-HYDROXYBUTYRIC ACIDURIA; Succinic Semialdehyde Dehydrogenase Deficiency; SSADH DEFICIENCY. Identifiers: Orphanet 22, MedGen C0268631, MONDO:0010083, OMIM 271980.

Allele frequency attached by ClinVar (database versions not stated): TOPMed below 0.00001.
gnomAD v4.1: 1 of 1,506,022 alleles (0.000066%); no homozygotes.

Submission:

Labcorp Genetics (formerly Invitae), Labcorp
Classification: Uncertain significance for Succinate-semialdehyde dehydrogenase deficiency. Last evaluated: 2021-04-09. Review status: criteria provided, single submitter. Criteria: Invitae Variant Classification Sherloc (09022015). Collection method: clinical testing. Allele origin: germline.
Comment: In summary, the available evidence is currently insufficient to determine the role of this variant in disease. Therefore, it has been classified as a Variant of Uncertain Significance. Advanced modeling of protein sequence and biophysical properties (such as structural, functional, and spatial information, amino acid conservation, physicochemical variation, residue mobility, and thermodynamic stability) performed at Invitae indicates that this missense variant is expected to disrupt ALDH5A1 protein function. This variant has not been reported in the literature in individuals with ALDH5A1-related conditions. The frequency data for this variant in the population databases is considered unreliable, as metrics indicate insufficient coverage at this position in the ExAC database. This sequence change replaces tryptophan with arginine at codon 69 of the ALDH5A1 protein (p.Trp69Arg). The tryptophan residue is highly conserved and there is a moderate physicochemical difference between tryptophan and arginine.